The following is an entry in ClinVar:

ClinVar aggregate classification (germline): Uncertain significance. Review status: criteria provided, multiple submitters, no conflicts (2 of 4 stars). 7 submissions from 5 submitters: Uncertain significance (7). Last evaluated 2026-08-06.

Conditions:
Inborn genetic diseases. Identifiers: MedGen C0950123, MeSH D030342.
Central core myopathy (CMYO1A). Also called: CONGENITAL MYOPATHY 1A, AUTOSOMAL DOMINANT, WITH SUSCEPTIBILITY TO MALIGNANT HYPERTHERMIA; Central core disease; Myopathy, central fibrillar. Identifiers: Orphanet 597, MedGen C5830701, MONDO:0007294, OMIM 117000.
Congenital multicore myopathy with external ophthalmoplegia (CMYO1B). Also called: Congenital myopathy 1B, autosomal recessive; Minicore myopathy; MULTIMINICORE DISEASE WITH EXTERNAL OPHTHALMOPLEGIA; Minicore myopathy with external ophthalmoplegia; MULTICORE MYOPATHY. Identifiers: Orphanet 598, Orphanet 98905, MedGen C1850674, MONDO:0009712, OMIM 255320, HP:0003789.
Malignant hyperthermia, susceptibility to, 1 (MHS1). Also called: Malignant hyperthermia suceptibility 1; Anesthesia related hyperthermia; Malignant hyperpyrexia; Fulminating hyperpyrexia; Pharmacogenic myopathy; RYR1-Related Malignant Hyperthermia Susceptibility. Identifiers: Orphanet 423, MedGen C2930980, MONDO:0007783, OMIM 145600.
RYR1-related disorder. Also called: RYR1-related condition; RYR1-related disorders. Identifiers: MedGen CN239331.

Allele frequency attached by ClinVar (database versions not stated): TOPMed below 0.00001.

Submissions (7):

OLLIN Analises Genomicas, OLLIN
Classification: Uncertain significance for Malignant hyperthermia, susceptibility to, 1. Last evaluated: 2026-08-06. Review status: criteria provided, single submitter. Criteria: ACMG Guidelines 2015 PMID 25741868. Collection method: clinical testing. Allele origin: germline. Inheritance: Autosomal dominant inheritance.
Comment: This missense variant, located in exon 35 (of 106), is absent from gnomAD and has not been identified in the literature. However, it has been reported in ClinVar (accession VCV000889937.10). In silico analysis predicts that this variant has a tolerated effect. According to the currently available evidence, this variant has been classified as uncertain significance (PM2_P, BP4).

Ambry Genetics
Classification: Uncertain significance for Inborn genetic diseases. Last evaluated: 2025-05-03. Review status: criteria provided, single submitter. Criteria: Ambry Variant Classification Scheme 2023. Collection method: clinical testing. Allele origin: germline.

All of Us Research Program, National Institutes of Health
Classification: Uncertain significance for Malignant hyperthermia, susceptibility to, 1. Last evaluated: 2023-05-15. Review status: criteria provided, single submitter. Criteria: ACMG Guidelines, 2015. Collection method: clinical testing. Allele origin: germline. Inheritance: Autosomal dominant inheritance. Observed: 1 variant allele, 1 heterozygote.
Comment: This missense variant replaces glutamic acid with lysine at codon 1874 of the RYR1 protein. Computational prediction suggests that this variant may not impact protein structure and function (internally defined REVEL score threshold <= 0.5, PMID: 27666373). To our knowledge, functional studies have not been reported for this variant. This variant has not been reported in individuals affected with RYR1-related disorders in the literature. This variant has not been identified in the general population by the Genome Aggregation Database (gnomAD). The available evidence is insufficient to determine the role of this variant in disease conclusively. Therefore, this variant is classified as a Variant of Uncertain Significance.

This study involves interpretation of variants in research participants for the purpose of population health screening. Participant phenotype was not available at the time of variant classification. Additional details can be found in publication PMID: 35346344, PMCID: PMC8962531

Labcorp Genetics (formerly Invitae), Labcorp
Classification: Uncertain significance for RYR1-related disorder. Last evaluated: 2022-08-20. Review status: criteria provided, single submitter. Criteria: Invitae Variant Classification Sherloc (09022015). Collection method: clinical testing. Allele origin: germline.
Comment: This variant is not present in population databases (gnomAD no frequency). In summary, the available evidence is currently insufficient to determine the role of this variant in disease. Therefore, it has been classified as a Variant of Uncertain Significance. Advanced modeling of protein sequence and biophysical properties (such as structural, functional, and spatial information, amino acid conservation, physicochemical variation, residue mobility, and thermodynamic stability) performed at Invitae indicates that this missense variant is not expected to disrupt RYR1 protein function. ClinVar contains an entry for this variant (Variation ID: 889937). This variant has not been reported in the literature in individuals affected with RYR1-related conditions. This sequence change replaces glutamic acid, which is acidic and polar, with lysine, which is basic and polar, at codon 1874 of the RYR1 protein (p.Glu1874Lys).

Illumina Laboratory Services, Illumina
Classification: Uncertain significance for Central core myopathy. Last evaluated: 2017-04-28. Review status: criteria provided, single submitter. Criteria: ICSL Variant Classification Criteria 13 December 2019. Collection method: clinical testing. Allele origin: germline.

Illumina Laboratory Services, Illumina
Classification: Uncertain significance for Malignant hyperthermia, susceptibility to, 1. Last evaluated: 2017-04-28. Review status: criteria provided, single submitter. Criteria: ICSL Variant Classification Criteria 13 December 2019. Collection method: clinical testing. Allele origin: germline.

Illumina Laboratory Services, Illumina
Classification: Uncertain significance for Congenital multicore myopathy with external ophthalmoplegia. Last evaluated: 2017-04-28. Review status: criteria provided, single submitter. Criteria: ICSL Variant Classification Criteria 13 December 2019. Collection method: clinical testing. Allele origin: germline.

NM_000540.3(RYR1):c.5620G>A (p.Glu1874Lys)

Gene: RYR1 (ryanodine receptor 1; plus strand). Cytogenetic location: 19q13.2.
Variant type: single nucleotide variant.
Coding change: c.5620G>A on transcript NM_000540.3 (MANE Select); coding-DNA position 5620, G replaced by A.
Protein change: p.Glu1874Lys; replaces glutamic acid 1874 with lysine.
Molecular consequence: missense variant.
Genome position (GRCh38, 1-based): chr19:38,489,249, G>A. VCF-style: chr19-38489249-G-A. GRCh37 (hg19) VCF-style: chr19-38979889-G-A.
Other names: c.5620G>A, p.Glu1874Lys (NM_001042723.2); short protein forms E1874K.
Identifiers: ClinVar variation 889937 (VCV000889937.11), dbSNP rs1969440508, ClinGen allele CA405657932.
Genomic context (GRCh38, chr19:38,489,249, plus strand): 5'-TTTGGCGATGAGGATGTGAAACAGATCTTGAAGATGATTGAGCCTGAGGTCTTCACTGAG[G>A]AAGAAGAGGAGGAGGACGAGGAGGAAGAGGGTGAAGAGGAAGATGAGGAGGAGAAGGAGG-3'
Protein context (NP_000531.2, residues 1864-1884): KMIEPEVFTE[Glu1874Lys]EEEEDEEEEG